The following is an entry in ClinVar:

NM_016642.4(SPTBN5):c.8885C>T (p.Ala2962Val)

Gene: SPTBN5 (spectrin beta, non-erythrocytic 5; minus strand). Cytogenetic location: 15q15.1.
Variant type: single nucleotide variant.
Coding change: c.8885C>T on transcript NM_016642.4 (MANE Select); coding-DNA position 8885, C replaced by T.
Protein change: p.Ala2962Val; replaces alanine 2962 with valine.
Molecular consequence: missense variant.
Genome position (GRCh38, 1-based): chr15:41,856,522, G>A on the plus strand (C>T on the coding strand, the complement: SPTBN5 is on the minus strand). VCF-style: chr15-41856522-G-A. GRCh37 (hg19) VCF-style: chr15-42148720-G-A.
Other names: short protein forms A2962V.
Identifiers: ClinVar variation 3056373 (VCV003056373.3), dbSNP rs2547931210, ClinGen allele CA391869516.

ClinVar aggregate classification (germline): Uncertain significance (1 of 4 stars; one submission).

Conditions:
SPTBN5-related disorder. Also called: SPTBN5-related condition.

Submission:

PreventionGenetics, part of Exact Sciences
Classification: Uncertain significance for SPTBN5-related condition. Last evaluated: 2025-02-26. Review status: criteria provided, single submitter. Criteria: ACMG Guidelines, 2015. Collection method: clinical testing. Allele origin: germline.
Comment: The SPTBN5 c.8885C>T variant is predicted to result in the amino acid substitution p.Ala2962Val. To our knowledge, this variant has not been reported in the literature or in a large population database (gnomAD), indicating this variant is rare. At this time, the clinical significance of this variant is uncertain due to the absence of conclusive functional and genetic evidence.